The following is an entry in ClinVar:

NM_017534.6(MYH2):c.772A>G (p.Thr258Ala)

Genes: MYH2 (myosin heavy chain 2; minus strand), MYHAS (myosin heavy chain gene cluster antisense RNA; plus strand), LOC126862501 (CDK7 strongly-dependent group 2 enhancer GRCh37_chr17:10446256-10447455; plus strand). Cytogenetic location: 17p13.1.
Variant type: single nucleotide variant.
Coding change: c.772A>G on transcript NM_017534.6 (MANE Select); coding-DNA position 772, A replaced by G.
Protein change: p.Thr258Ala; replaces threonine 258 with alanine.
Molecular consequence: missense variant.
Genome position (GRCh38, 1-based): chr17:10,543,131, T>C on the plus strand (A>G on the coding strand, the complement: MYH2 is on the minus strand). VCF-style: chr17-10543131-T-C. GRCh37 (hg19) VCF-style: chr17-10446448-T-C.
Other names: c.772A>G, p.Thr258Ala (NM_001100112.2); short protein forms T258A.
Identifiers: ClinVar variation 662613 (VCV000662613.11), dbSNP rs776266174, ClinGen allele CA8391529.

ClinVar aggregate classification (germline): Uncertain significance. Review status: criteria provided, multiple submitters, no conflicts (2 of 4 stars). 4 submissions from 4 submitters: Uncertain significance (4). Last evaluated 2025-09-21.

Conditions:
Inborn genetic diseases. Identifiers: MedGen C0950123, MeSH D030342.
Myopathy, proximal, and ophthalmoplegia (CMYO6). Also called: INCLUSION BODY MYOPATHY 3, AUTOSOMAL DOMINANT; MYOPATHY WITH CONGENITAL JOINT CONTRACTURES, OPHTHALMOPLEGIA, AND RIMMED VACUOLES; CONGENITAL MYOPATHY 6 WITH OPHTHALMOPLEGIA. Identifiers: Orphanet 363677, Orphanet 79091, MedGen C1854106, MONDO:0011577, OMIM 605637.

Allele frequency attached by ClinVar (database versions not stated): ExAC 0.00002; gnomAD exomes 0.00002; gnomAD 0.00008 and 0.00009; TOPMed 0.00009.

Submissions (4):

Labcorp Genetics (formerly Invitae), Labcorp
Classification: Uncertain significance for Myopathy, proximal, and ophthalmoplegia. Last evaluated: 2025-09-21. Review status: criteria provided, single submitter. Criteria: Invitae Variant Classification Sherloc (09022015). Collection method: clinical testing. Allele origin: germline.
Comment: This sequence change replaces threonine, which is neutral and polar, with alanine, which is neutral and non-polar, at codon 258 of the MYH2 protein (p.Thr258Ala). This variant is present in population databases (rs776266174, gnomAD 0.02%). This variant has not been reported in the literature in individuals affected with MYH2-related conditions. ClinVar contains an entry for this variant (Variation ID: 662613). An algorithm developed to predict the effect of missense changes on protein structure and function (PolyPhen-2) suggests that this variant is likely to be tolerated. In summary, the available evidence is currently insufficient to determine the role of this variant in disease. Therefore, it has been classified as a Variant of Uncertain Significance.

GeneDx
Classification: Uncertain significance. Last evaluated: 2023-11-30. Review status: criteria provided, single submitter. Criteria: GeneDx Variant Classification Process June 2021. Collection method: clinical testing. Allele origin: germline. Affected: yes.
Comment: In silico analysis supports that this missense variant has a deleterious effect on protein structure/function; Has not been previously published as pathogenic or benign to our knowledge

Ambry Genetics
Classification: Uncertain significance for Inborn genetic diseases. Last evaluated: 2023-04-06. Review status: criteria provided, single submitter. Criteria: Ambry Variant Classification Scheme 2023. Collection method: clinical testing. Allele origin: germline.

Revvity Omics, Revvity
Classification: Uncertain significance for Myopathy, proximal, and ophthalmoplegia. Last evaluated: 2019-01-31. Review status: criteria provided, single submitter. Criteria: ACMG Guidelines, 2015. Collection method: clinical testing. Allele origin: germline.